The following is an entry in ClinVar:

NM_025179.4(PLXNA2):c.2609C>T (p.Pro870Leu)

Gene: PLXNA2 (plexin A2; minus strand). Cytogenetic location: 1q32.2.
Variant type: single nucleotide variant.
Coding change: c.2609C>T on transcript NM_025179.4 (MANE Select); coding-DNA position 2609, C replaced by T.
Protein change: p.Pro870Leu; replaces proline 870 with leucine.
Molecular consequence: missense variant.
Genome position (GRCh38, 1-based): chr1:208,060,815, G>A on the plus strand (C>T on the coding strand, the complement: PLXNA2 is on the minus strand). VCF-style: chr1-208060815-G-A. GRCh37 (hg19) VCF-style: chr1-208234160-G-A.
Other names: short protein forms P870L.
Identifiers: ClinVar variation 2872767 (VCV002872767.3), dbSNP rs1004682768, ClinGen allele CA36719196.
Genomic context (GRCh38, chr1:208,060,815, plus strand): 5'-ATCTCGGAGAAGTCCAGACCCAGGTTCACGCCATGGATGGTCACTCGCGTCCCTCCTTCC[G>A]GCGGTCCAGACACCGTCAAAATCTGCAGGAGGGAAATGGGATTAGCAATTTGGTTTGGTC-3'
Protein context (NP_079455.3, residues 860-880): ITEILTVSGP[Pro870Leu]EGGTRVTIHG

ClinVar aggregate classification (germline): Uncertain significance (1 of 4 stars; one submission).

Allele frequency attached by ClinVar (database versions not stated): TOPMed below 0.00001; gnomAD 0.00001; gnomAD exomes 0.00001.
gnomAD v4.1: 8 of 1,613,886 alleles (0.0005%); highest among the groups gnomAD compares: South Asian, 0.0011%; no homozygotes.

Submission:

Labcorp Genetics (formerly Invitae), Labcorp
Classification: Uncertain significance. Last evaluated: 2022-10-31. Review status: criteria provided, single submitter. Criteria: Invitae Variant Classification Sherloc (09022015). Collection method: clinical testing. Allele origin: germline.
Comment: Advanced modeling of protein sequence and biophysical properties (such as structural, functional, and spatial information, amino acid conservation, physicochemical variation, residue mobility, and thermodynamic stability) performed at Invitae indicates that this missense variant is not expected to disrupt PLXNA2 protein function. In summary, the available evidence is currently insufficient to determine the role of this variant in disease. Therefore, it has been classified as a Variant of Uncertain Significance. This variant has not been reported in the literature in individuals affected with PLXNA2-related conditions. This variant is present in population databases (no rsID available, gnomAD 0.0009%). This sequence change replaces proline, which is neutral and non-polar, with leucine, which is neutral and non-polar, at codon 870 of the PLXNA2 protein (p.Pro870Leu).